The following is an entry in ClinVar:

ClinVar aggregate classification (germline): Likely benign (1 of 4 stars; one submission).

Conditions:
Vanishing white matter disease. Also called: CACH syndrome; Childhood ataxia with diffuse central nervous system hypomyelination; Leukoencephalopathy with vanishing white matter; CACH/VWM syndrome; Cree leukoencehalopathy. Identifiers: Orphanet 135, Orphanet 99853, MedGen C1858991, MONDO:0800448.

Allele frequency attached by ClinVar (database versions not stated): gnomAD below 0.00001 and 0.00011; TOPMed 0.00001; gnomAD exomes 0.00019 and 0.00050; ExAC 0.00059; 1000 Genomes Project 30x 0.00094; 1000 Genomes Project 0.00120.
gnomAD v4.1: 291 of 1,586,448 alleles (0.018%); highest among the groups gnomAD compares: South Asian, 0.3%; no homozygotes.

Submission:

Illumina Laboratory Services, Illumina
Classification: Likely benign for Leukoencephalopathy with vanishing white matter 1. Last evaluated: 2018-01-13. Review status: criteria provided, single submitter. Criteria: ICSL Variant Classification Criteria 13 December 2019. Collection method: clinical testing. Allele origin: germline.
Comment: This variant was observed in the ICSL laboratory as part of a predisposition screen in an ostensibly healthy population. It had not been previously curated by ICSL or reported in the Human Gene Mutation Database (HGMD: prior to June 1st, 2018), and was therefore a candidate for classification through an automated scoring system. Utilizing variant allele frequency, disease prevalence and penetrance estimates, and inheritance mode, an automated score was calculated to assess if this variant is too frequent to cause the disease. Based on the score and internal cut-off values, a variant classified as likely benign is not then subjected to further curation. The score for this variant resulted in a classification of likely benign for this disease.

NM_001414.4(EIF2B1):c.-85G>A

Gene: EIF2B1 (eukaryotic translation initiation factor 2B subunit alpha; minus strand). Cytogenetic location: 12q24.31.
Variant type: single nucleotide variant.
Coding change: c.-85G>A on transcript NM_001414.4 (MANE Select); 85 bases upstream of the start codon, G replaced by A.
Molecular consequence: 5 prime UTR variant.
Genome position (GRCh38, 1-based): chr12:123,633,642, C>T on the plus strand (G>A on the coding strand, the complement: EIF2B1 is on the minus strand). VCF-style: chr12-123633642-C-T. GRCh37 (hg19) VCF-style: chr12-124118189-C-T.
Identifiers: ClinVar variation 307531 (VCV000307531.5), dbSNP rs571053026, ClinGen allele CA6860307.
Genomic context (GRCh38, chr12:123,633,642, plus strand): 5'-AGGGGACCCGAGCCGCCCGCGCTGTCTCGAACGGGTCCGCCGGCCGCGCCGCCTGCGAGC[C>T]AGTCTGACAGCGCGCTGCACACCTCCGCACCCCACTTCCGGCGCACTTCCGTACCCCTCT-3'